The following is an entry in ClinVar:

ClinVar aggregate classification (germline): Likely benign (1 of 4 stars; one submission).

Submission:

CeGaT Center for Human Genetics Tuebingen
Classification: Likely benign. Last evaluated: 2024-05-01. Review status: criteria provided, single submitter. Criteria: CeGaT Center For Human Genetics Tuebingen Variant Classification Criteria Version 2. Collection method: clinical testing. Allele origin: germline. Affected: yes. Observed: 1 variant allele.
Comment: BICRA: BP4, BP7

NM_001394372.1(BICRA):c.2355G>C (p.Leu785=)

Gene: BICRA (BRD4 interacting chromatin remodeling complex associated protein; plus strand). Cytogenetic location: 19q13.33.
Variant type: single nucleotide variant.
Coding change: c.2355G>C on transcript NM_001394372.1 (MANE Select); coding-DNA position 2355, G replaced by C.
Protein change: p.Leu785=; no amino-acid change (leucine 785 retained).
Molecular consequence: synonymous variant.
Genome position (GRCh38, 1-based): chr19:47,694,186, G>C. VCF-style: chr19-47694186-G-C. GRCh37 (hg19) VCF-style: chr19-48197443-G-C.
Other names: c.2355G>C, p.Leu785= (NM_015711.3).
Identifiers: ClinVar variation 3239321 (VCV003239321.19), dbSNP rs1204097594.